The following is an entry in ClinVar:

ClinVar aggregate classification (germline): Uncertain significance (1 of 4 stars; one submission).

Conditions:
Inborn genetic diseases. Identifiers: MedGen C0950123, MeSH D030342.

Allele frequency attached by ClinVar (database versions not stated): gnomAD exomes below 0.00001; TOPMed below 0.00001; ExAC 0.00001; gnomAD 0.00001.
gnomAD v4.1: 3 of 1,613,878 alleles (0.00019%); highest among the groups gnomAD compares: African/African-American, 0.0027%; no homozygotes.

Submission:

Ambry Genetics
Classification: Uncertain significance for Inborn genetic diseases. Last evaluated: 2024-05-17. Review status: criteria provided, single submitter. Criteria: Ambry Variant Classification Scheme 2023. Collection method: clinical testing. Allele origin: germline.
Comment: The p.G584S variant (also known as c.1750G>A), located in coding exon 15 of the LRRK2 gene, results from a G to A substitution at nucleotide position 1750. The glycine at codon 584 is replaced by serine, an amino acid with similar properties. This amino acid position is conserved. In addition, the in silico prediction for this alteration is inconclusive. Since supporting evidence is limited at this time, the clinical significance of this alteration remains unclear.

NM_198578.4(LRRK2):c.1750G>A (p.Gly584Ser)

Gene: LRRK2 (leucine rich repeat kinase 2; plus strand). Cytogenetic location: 12q12.
Variant type: single nucleotide variant.
Coding change: c.1750G>A on transcript NM_198578.4 (MANE Select); coding-DNA position 1750, G replaced by A.
Protein change: p.Gly584Ser; replaces glycine 584 with serine.
Molecular consequence: missense variant.
Genome position (GRCh38, 1-based): chr12:40,274,676, G>A. VCF-style: chr12-40274676-G-A. GRCh37 (hg19) VCF-style: chr12-40668478-G-A.
Other names: short protein forms G584S.
Identifiers: ClinVar variation 1779390 (VCV001779390.3), dbSNP rs772665033, ClinGen allele CA6513446.
Genomic context (GRCh38, chr12:40,274,676, plus strand): 5'-TTAAAAGTAATTTCTTCTATTGTACATTTTCCTGATGCATTAGAGATGTTATCCCTGGAA[G>A]GTGCTATGGATTCAGTGCTTCACACACTGCAGATGTATCCAGATGACCAAGGTCAGTACA-3'
Protein context (NP_940980.4, residues 574-594): PDALEMLSLE[Gly584Ser]AMDSVLHTLQ